The following is an entry in ClinVar:

ClinVar aggregate classification (germline): Uncertain significance (1 of 4 stars; one submission).

Submission:

GeneDx
Classification: Uncertain significance. Last evaluated: 2024-06-21. Review status: criteria provided, single submitter. Criteria: GeneDx Variant Classification Process June 2021. Collection method: clinical testing. Allele origin: germline. Affected: yes.
Comment: Not observed at significant frequency in large population cohorts (gnomAD); In silico analysis supports that this missense variant has a deleterious effect on protein structure/function; Has not been previously published as pathogenic or benign to our knowledge

NM_006922.4(SCN3A):c.3197A>G (p.Asp1066Gly)

Gene: SCN3A (sodium voltage-gated channel alpha subunit 3; minus strand). Cytogenetic location: 2q24.3.
Variant type: single nucleotide variant.
Coding change: c.3197A>G on transcript NM_006922.4 (MANE Select); coding-DNA position 3197, A replaced by G.
Protein change: p.Asp1066Gly; replaces aspartic acid 1066 with glycine.
Molecular consequence: missense variant.
Genome position (GRCh38, 1-based): chr2:165,127,827, T>C on the plus strand (A>G on the coding strand, the complement: SCN3A is on the minus strand). VCF-style: chr2-165127827-T-C. GRCh37 (hg19) VCF-style: chr2-165984337-T-C.
Other names: c.3050A>G, p.Asp1017Gly (NM_001081676.2, NM_001081677.2); short protein forms D1017G, D1066G.
Identifiers: ClinVar variation 1710546 (VCV001710546.3), dbSNP rs2468234758, ClinGen allele CA349040888.